The following is an entry in ClinVar:

NM_017780.4(CHD7):c.8821A>G (p.Lys2941Glu)

Gene: CHD7 (chromodomain helicase DNA binding protein 7; plus strand). Cytogenetic location: 8q12.2.
Variant type: single nucleotide variant.
Coding change: c.8821A>G on transcript NM_017780.4 (MANE Select); coding-DNA position 8821, A replaced by G.
Protein change: p.Lys2941Glu; replaces lysine 2941 with glutamic acid.
Molecular consequence: missense variant.
Genome position (GRCh38, 1-based): chr8:60,865,760, A>G. VCF-style: chr8-60865760-A-G. GRCh37 (hg19) VCF-style: chr8-61778319-A-G.
Other names: c.2674A>G, p.Lys892Glu (NM_001316690.1); short protein forms K2941E, K892E.
Identifiers: ClinVar variation 197041 (VCV000197041.20), dbSNP rs201793562, ClinGen allele CA244949.

ClinVar aggregate classification (germline): Conflicting classifications of pathogenicity. Review status: criteria provided, conflicting classifications (1 of 4 stars). 4 submissions from 4 submitters: Uncertain significance (3); Benign (1). Last evaluated 2026-01-28.

Conditions:
Inborn genetic diseases. Identifiers: MedGen C0950123, MeSH D030342.
CHARGE syndrome (CHARGE). Also called: Coloboma, heart anomaly, choanal atresia, retardation, genital and ear anomalies; CHARGE association; Hall-Hittner syndrome; CHARGE ASSOCIATION--COLOBOMA, HEART ANOMALY, CHOANAL ATRESIA, RETARDATION, GENITAL AND EAR ANOMALIES; Hittner Hirsch Kreh syndrome. Identifiers: Orphanet 138, MedGen C0265354, MONDO:0008965.

Allele frequency attached by ClinVar (database versions not stated): gnomAD 0.00002 and 0.00003; TOPMed 0.00003; gnomAD exomes 0.00004 and 0.00008; ExAC 0.00007; 1000 Genomes Project 0.00020; 1000 Genomes Project 30x 0.00031.
gnomAD v4.1: 58 of 1,613,176 alleles (0.0036%); highest among the groups gnomAD compares: Admixed American, 0.033%; no homozygotes.

Submissions (4):

Labcorp Genetics (formerly Invitae), Labcorp
Classification: Benign for CHARGE syndrome. Last evaluated: 2026-01-28. Review status: criteria provided, single submitter. Criteria: Invitae Variant Classification Sherloc (09022015). Collection method: clinical testing. Allele origin: germline.

Laboratory for Molecular Medicine, Mass General Brigham Personalized Medicine
Classification: Uncertain significance. Last evaluated: 2018-03-21. Review status: criteria provided, single submitter. Criteria: LMM Criteria. Collection method: clinical testing. Allele origin: germline. Observed: 1 variant allele.
Comment: Variant classified as Uncertain Significance - Favor Benign. The p.Lys2941Glu va riant in CHD7 has not been previously reported in individuals with hearing loss or CHARGE syndrome, but has been identified in 0.05% (16/34312) of Latino chromo somes by the Genome Aggregation Database (gnomAD, rg; dbSNP rs201793562). The allele frequency in gnomAD is higher than would be e xpected for a pathogenic CHD7 variant, given a prevalence of approximately 1/850 0 for CHARGE syndrome. Computation al prediction tools and conservation analyses suggest that this variant may impa ct the protein, though this information is not predictive enough to determine pa thogenicity. In summary, while the clinical significance of the p.Lys2941Glu var iant is uncertain, the frequency data suggest that it is more likely to be benig n. ACMG/AMP Criteria applied: PP3; BS1.

Ambry Genetics
Classification: Uncertain significance for Inborn genetic diseases. Last evaluated: 2017-09-20. Review status: criteria provided, single submitter. Criteria: Ambry Variant Classification Scheme 2023. Collection method: clinical testing. Allele origin: germline.
Comment: The p.K2941E variant (also known as c.8821A>G), located in coding exon 37 of the CHD7 gene, results from an A to G substitution at nucleotide position 8821. The lysine at codon 2941 is replaced by glutamic acid, an amino acid with similar properties. This amino acid position is well conserved in available vertebrate species. In addition, the in silico prediction for this alteration is inconclusive. Since supporting evidence is limited at this time, the clinical significance of this alteration remains unclear.

Eurofins Ntd Llc (ga)
Classification: Uncertain significance. Last evaluated: 2015-05-15. Review status: criteria provided, single submitter. Criteria: EGL Classification Definitions 2015. Collection method: clinical testing. Allele origin: germline. Observed: 1 variant allele, 1 heterozygote.